The following is an entry in ClinVar:

NM_000187.4(HGD):c.481G>A (p.Gly161Arg)

Gene: HGD (homogentisate 1,2-dioxygenase; minus strand). Cytogenetic location: 3q13.33.
Variant type: single nucleotide variant.
Coding change: c.481G>A on transcript NM_000187.4 (MANE Select); coding-DNA position 481, G replaced by A.
Protein change: p.Gly161Arg; replaces glycine 161 with arginine.
Molecular consequence: missense variant.
Genome position (GRCh38, 1-based): chr3:120,647,041, C>T on the plus strand (G>A on the coding strand, the complement: HGD is on the minus strand). VCF-style: chr3-120647041-C-T. GRCh37 (hg19) VCF-style: chr3-120365888-C-T.
Other names: short protein forms G161R.
Identifiers: ClinVar variation 3168 (VCV000003168.64), dbSNP rs28941783, ClinGen allele CA340044.

ClinVar aggregate classification (germline): Pathogenic. Review status: criteria provided, multiple submitters, no conflicts (2 of 4 stars). 12 submissions from 12 submitters: Pathogenic (8). 4 of the submissions do not count toward it. Last evaluated 2026-04-06.

Conditions:
HGD-related disorder. Also called: HGD-related condition.
Alkaptonuria (AKU). Also called: HOMOGENTISIC ACID OXIDASE DEFICIENCY; Alcaptonuria; Alkaptonuric ochronosis; Homogentisic acidura. Identifiers: Orphanet 56, MedGen C0002066, MONDO:0008753, OMIM 203500.

Allele frequency attached by ClinVar (database versions not stated): gnomAD exomes 0.00008 and 0.00009; ExAC 0.00012; TOPMed 0.00014; gnomAD 0.00015 and 0.00016.
gnomAD v4.1: 148 of 1,613,870 alleles (0.0092%); highest among the groups gnomAD compares: Non-Finnish European, 0.012%; no homozygotes.

Submissions (12):

PreventionGenetics, part of Exact Sciences
Classification: Pathogenic for HGD-related condition. Last evaluated: 2026-04-06. Review status: criteria provided, single submitter. Criteria: ACMG Guidelines, 2015. Collection method: clinical testing. Allele origin: germline.
Comment: The HGD c.481G>A variant is predicted to result in the amino acid substitution p.Gly161Arg. This variant has previously been reported to be causative for alkaptonuria, and is one of the most commonly reported pathogenic variants in the Slovak population (e.g., Müller et al. 1999. PubMed ID: 10482952; Nemethova et al. 2015. PubMed ID: 25804398; Ascher et al. 2019. PubMed ID: 30737480). In a functional study, the p.Gly161Arg substitution was reported to reduce homogentisate 1,2-dioxygenase (HGD) activity to <1% of wild-type (Ascher et al. 2019. PubMed ID: 30737480). This variant is reported in 0.026% of alleles in individuals of European (Non-Finnish) descent in gnomAD. It is interpreted as pathogenic by multiple outside laboratories in ClinVar (Variation ID: 3168). Taken together, we interpret the c.481G>A (p.Gly161Arg) variant as pathogenic.

Labcorp Genetics (formerly Invitae), Labcorp
Classification: Pathogenic for Alkaptonuria. Last evaluated: 2025-06-23. Review status: criteria provided, single submitter. Criteria: Invitae Variant Classification Sherloc (09022015). Collection method: clinical testing. Allele origin: germline.
Comment: This sequence change replaces glycine, which is neutral and non-polar, with arginine, which is basic and polar, at codon 161 of the HGD protein (p.Gly161Arg). This variant is present in population databases (rs28941783, gnomAD 0.03%). This missense change has been observed in individuals with alkaptonuria (PMID: 9154114, 12051967, 19862842, 20462779). It has also been observed to segregate with disease in related individuals. ClinVar contains an entry for this variant (Variation ID: 3168). Invitae Evidence Modeling of protein sequence and biophysical properties (such as structural, functional, and spatial information, amino acid conservation, physicochemical variation, residue mobility, and thermodynamic stability) indicates that this missense variant is expected to disrupt HGD protein function with a positive predictive value of 95%. Experimental studies have shown that this missense change affects HGD function (PMID: 10482952). For these reasons, this variant has been classified as Pathogenic.

Fulgent Genetics
Classification: Pathogenic for Alkaptonuria. Last evaluated: 2024-05-10. Review status: criteria provided, single submitter. Criteria: ACMG Guidelines, 2015. Collection method: clinical testing. Allele origin: germline.

GeneDx
Classification: Pathogenic. Last evaluated: 2023-07-19. Review status: criteria provided, single submitter. Criteria: GeneDx Variant Classification Process June 2021. Collection method: clinical testing. Allele origin: germline. Affected: yes.
Comment: Published functional studies demonstrate a damaging effect as biochemical analysis show that this variant leads to a protein with no enzymatic activity (Ascher et al., 2019; Mller et al., 1999); In silico analysis supports that this missense variant has a deleterious effect on protein structure/function; This variant is associated with the following publications: (PMID: 20462779, 34426522, 34008892, 31589614, 33072517, 19862842, 25804398, 37395296, 11001939, 10970188, 12051967, 33621656, 25681086, 34504318, 27026014, 9154114, 10482952, 30737480)

Laboratory of Medical Genetics, National & Kapodistrian University of Athens
Classification: Pathogenic for Alkaptonuria. Last evaluated: 2021-10-01. Review status: criteria provided, single submitter. Criteria: ACMG Guidelines, 2015. Collection method: clinical testing. Allele origin: unknown. Affected: yes.
Comment: PS3, PM2, PP2, PP3, PP4, PP5

CeGaT Center for Human Genetics Tuebingen
Classification: Pathogenic. Last evaluated: 2021-07-01. Review status: criteria provided, single submitter. Criteria: CeGaT Center For Human Genetics Tuebingen Variant Classification Criteria Version 2. Collection method: clinical testing. Allele origin: germline. Affected: yes. Observed: 1 variant allele.

Revvity Omics, Revvity
Classification: Pathogenic for Alkaptonuria. Last evaluated: 2020-07-20. Review status: criteria provided, single submitter. Criteria: ACMG Guidelines, 2015. Collection method: clinical testing. Allele origin: germline.

Illumina Laboratory Services, Illumina
Classification: Pathogenic for Alkaptonuria. Last evaluated: 2019-04-05. Review status: criteria provided, single submitter. Criteria: ICSL Variant Classification Criteria 09 May 2019. Collection method: clinical testing. Allele origin: germline.
Comment: Across a selection of the available literature, the HGD c.481G>A (p.Gly161Arg) missense variant has been identified in 55 individuals with alkaptonuria, including in a homozygous state in 27 individuals and in a compound heterozygous state in 38 individuals, and is also found in a heterozygous state in 25 unaffected individuals (Gehrig et al. 1997; Vilboux et al. 2009; Zatkova et al. 2012; Usher et al. 2015; Nemethova et al. 2015; Cieszynski et al. 2016). The p.Gly161Arg variant was also shown to segregate with disease in a three-generation family with one affected homozygote (Gehrig et al. 1997). The variant was absent from 384 control chromosomes but is reported at a frequency of 0.000269 in the European (non-Finnish) population of the Genome Aggregation Database. The Gly161 residue is conserved. Variant enzyme activity assays performed in E. coli demonstarted that the p.Gly161Arg variant resulted in one percent activity in comparison to wild type (Rodriguez et al. 2000). Based on the collective evidence, the p.Gly161Arg variant is classified as pathogenic for alkaptonuria. This variant was observed by ICSL as part of a predisposition screen in an ostensibly healthy population.

Counsyl
Classification: Pathogenic for Alkaptonuria. Last evaluated: 2016-03-09. Review status: no assertion criteria provided. Collection method: clinical testing. Allele origin: unknown. Not counted in ClinVar's aggregate classification.

OMIM
Classification: Pathogenic for ALKAPTONURIA. Last evaluated: 2000-07-01. Review status: no assertion criteria provided. Collection method: literature only. Allele origin: germline. Not counted in ClinVar's aggregate classification.

Department Of Human Genetics, Institute Of Clinical And Translational Research, Biomedical Research Center, Slovak Academy Of Sciences
Classification: Pathogenic for Alkaptonuria. Review status: no assertion criteria provided. Collection method: research. Allele origin: germline. Inheritance: Autosomal recessive inheritance. Affected: yes. Observed: 216 variant alleles. Not counted in ClinVar's aggregate classification.
Comment: The variant was originally described in AKU patient in PMID:9154114. It has been submitted to the HGD gene mutation database (DB-ID: AKU_00050).

GeneReviews
No classification provided. Condition: Alkaptonuria. Review status: no classification provided. Collection method: literature only. Allele origin: germline. Not counted in ClinVar's aggregate classification.
Comment: 1 of 4 founder variants in the Slovak population

Literature cited by the submitters: PubMed 9154114 (cited by 5 submitters); PubMed 12051967 (cited by Labcorp Genetics (formerly Invitae), Labcorp); PubMed 19862842 (cited by Labcorp Genetics (formerly Invitae), Labcorp and Illumina Laboratory Services, Illumina); PubMed 20462779 (cited by Labcorp Genetics (formerly Invitae), Labcorp); PubMed 10482952 (cited by Labcorp Genetics (formerly Invitae), Labcorp and OMIM); PubMed 34008892 (cited by Laboratory of Medical Genetics, National & Kapodistrian University of Athens); PubMed 27026014 (cited by Illumina Laboratory Services, Illumina); PubMed 25804398 (cited by Illumina Laboratory Services, Illumina); PubMed 11001939 (cited by Illumina Laboratory Services, Illumina); PubMed 23430897 (cited by Illumina Laboratory Services, Illumina); PubMed 25681086 (cited by Illumina Laboratory Services, Illumina); PubMed 10970188 (cited by OMIM); PubMed 20301627 (cited by GeneReviews).